The following is an entry in ClinVar:

NM_000257.4(MYH7):c.4371G>A (p.Lys1457=)

Genes: MHRT (myosin heavy chain associated RNA transcript; plus strand), MYH7 (myosin heavy chain 7; minus strand). Cytogenetic location: 14q11.2.
Variant type: single nucleotide variant.
Coding change: c.4371G>A on transcript NM_000257.4 (MANE Select); coding-DNA position 4371, G replaced by A.
Protein change: p.Lys1457=; no amino-acid change (lysine 1457 retained).
Molecular consequence: synonymous variant. On other transcripts: non-coding transcript variant (1).
Genome position (GRCh38, 1-based): chr14:23,417,301, C>T on the plus strand (G>A on the coding strand, the complement: MYH7 is on the minus strand). VCF-style: chr14-23417301-C-T. GRCh37 (hg19) VCF-style: chr14-23886510-C-T.
Other names: c.4371G>A (LRG_384t1).
Identifiers: ClinVar variation 513862 (VCV000513862.1), dbSNP rs1555336697, ClinGen allele CA485617579.

ClinVar aggregate classification (germline): Likely benign (1 of 4 stars; one submission).

Allele frequency attached by ClinVar (database versions not stated): gnomAD 0.00001.

Submission:

GeneDx
Classification: Likely benign. Last evaluated: 2017-12-05. Review status: criteria provided, single submitter. Criteria: GeneDx Variant Classification (06012015). Collection method: clinical testing. Allele origin: germline. Affected: yes.
Comment: This variant is considered likely benign or benign based on one or more of the following criteria: it is a conservative change, it occurs at a poorly conserved position in the protein, it is predicted to be benign by multiple in silico algorithms, and/or has population frequency not consistent with disease.